The following is an entry in ClinVar:

ClinVar aggregate classification (germline): Uncertain significance (1 of 4 stars; one submission).

Conditions:
Osteogenesis imperfecta type I (OI1). Also called: OI, TYPE I; OSTEOGENESIS IMPERFECTA TARDA; OSTEOGENESIS IMPERFECTA WITH BLUE SCLERAE; Osteogenesis imperfecta type 1; Lobstein's Disease; Lobstein disease. Identifiers: Orphanet 216796, Orphanet 666, MedGen C0023931, MONDO:0008146, OMIM 166200. Disease mechanism: loss of function.
Ehlers-Danlos syndrome, classic type, 1 (EDSCL1). Also called: EHLERS-DANLOS SYNDROME, GRAVIS TYPE; EHLERS-DANLOS SYNDROME, SEVERE CLASSIC TYPE; Ehlers-Danlos syndrome, type 1; EDS I; Ehlers-Danlos Syndrome, Classic Type, COL5A1-Related. Identifiers: MedGen C0268335, MONDO:0019567, OMIM 130000.

Allele frequency attached by ClinVar (database versions not stated): TOPMed 0.00005; gnomAD exomes 0.00001 and below 0.00001; gnomAD 0.00001.
gnomAD v4.1: 5 of 1,613,942 alleles (0.00031%); highest among the groups gnomAD compares: Admixed American, 0.0033%; no homozygotes.

Submission:

Labcorp Genetics (formerly Invitae), Labcorp
Classification: Uncertain significance for Osteogenesis imperfecta type I; Ehlers-Danlos syndrome, classic type, 1. Last evaluated: 2022-02-05. Review status: criteria provided, single submitter. Criteria: Invitae Variant Classification Sherloc (09022015). Collection method: clinical testing. Allele origin: germline.
Comment: This variant has not been reported in the literature in individuals affected with COL1A2-related conditions. In summary, the available evidence is currently insufficient to determine the role of this variant in disease. Therefore, it has been classified as a Variant of Uncertain Significance. Variants that disrupt the consensus splice site are a relatively common cause of aberrant splicing (PMID: 17576681, 9536098). Algorithms developed to predict the effect of sequence changes on RNA splicing suggest that this variant is not likely to affect RNA splicing. This variant is present in population databases (no rsID available, gnomAD 0.007%). This sequence change falls in intron 44 of the COL1A2 gene. It does not directly change the encoded amino acid sequence of the COL1A2 protein. It affects a nucleotide within the consensus splice site.

Literature cited by the submitters: PubMed 17576681; PubMed 9536098.

NM_000089.4(COL1A2):c.2944-3C>T

Gene: COL1A2 (collagen type I alpha 2 chain; plus strand). Cytogenetic location: 7q21.3.
Variant type: single nucleotide variant.
Coding change: c.2944-3C>T on transcript NM_000089.4 (MANE Select); 3 bases into the intron before coding-DNA position 2944, C replaced by T.
Molecular consequence: intron variant.
Genome position (GRCh38, 1-based): chr7:94,425,995, C>T. VCF-style: chr7-94425995-C-T. GRCh37 (hg19) VCF-style: chr7-94055307-C-T.
Identifiers: ClinVar variation 1367280 (VCV001367280.6), dbSNP rs1408725826, ClinGen allele CA576324367.